The following is an entry in ClinVar:

NM_001004334.4(GPR179):c.991+1G>T

Gene: GPR179 (G protein-coupled receptor 179; minus strand). Cytogenetic location: 17q12.
Variant type: single nucleotide variant.
Coding change: c.991+1G>T on transcript NM_001004334.4 (MANE Select); the canonical splice donor site of the intron after coding-DNA position 991, G replaced by T.
Molecular consequence: splice donor variant.
Genome position (GRCh38, 1-based): chr17:38,337,632, C>A on the plus strand (G>T on the coding strand, the complement: GPR179 is on the minus strand). VCF-style: chr17-38337632-C-A. GRCh37 (hg19) VCF-style: chr17-36493515-C-A.
Identifiers: ClinVar variation 1496934 (VCV001496934.6), dbSNP rs761533717, ClinGen allele CA290109585.
Genomic context (GRCh38, chr17:38,337,632, plus strand): 5'-GTACCCTCCCAACCATCCTCTCATGTAAAACACATGCCTGGCCCCCACCACACTTACATA[C>A]CCCCAGAGGGGCTTGCCCCGTAGAATCCAGGTCGGCAGCGGCAGAGGTAGCGGCCAAGAA-3'

ClinVar aggregate classification (germline): Likely pathogenic (1 of 4 stars; one submission).

Allele frequency attached by ClinVar (database versions not stated): TOPMed below 0.00001; ExAC 0.00001; gnomAD exomes 0.00001.

Submission:

Labcorp Genetics (formerly Invitae), Labcorp
Classification: Likely pathogenic. Last evaluated: 2021-12-13. Review status: criteria provided, single submitter. Criteria: Invitae Variant Classification Sherloc (09022015). Collection method: clinical testing. Allele origin: germline.
Comment: In summary, the currently available evidence indicates that the variant is pathogenic, but additional data are needed to prove that conclusively. Therefore, this variant has been classified as Likely Pathogenic. Algorithms developed to predict the effect of sequence changes on RNA splicing suggest that this variant may disrupt the consensus splice site. This variant has not been reported in the literature in individuals affected with GPR179-related conditions. This variant is present in population databases (rs761533717, gnomAD 0.007%). This sequence change affects a donor splice site in intron 3 of the GPR179 gene. It is expected to disrupt RNA splicing. Variants that disrupt the donor or acceptor splice site typically lead to a loss of protein function (PMID: 16199547), and loss-of-function variants in GPR179 are known to be pathogenic (PMID: 22325361, 22325362).

Literature cited by the submitters: PubMed 16199547; PubMed 22325361; PubMed 22325362.